The following is an entry in ClinVar:

ClinVar aggregate classification (germline): Uncertain significance. Review status: criteria provided, multiple submitters, no conflicts (2 of 4 stars). 2 submissions from 2 submitters: Uncertain significance (2). Last evaluated 2023-10-19.

Conditions:
Joubert syndrome. Also called: JOUBERT-BOLTSHAUSER SYNDROME; Familial aplasia of the vermis. Identifiers: Orphanet 475, MedGen C5979921, MONDO:0018772.
Meckel-Gruber syndrome. Also called: DYSENCEPHALIA SPLANCHNOCYSTICA; GRUBER SYNDROME; Dysencephalia splachnocystica. Identifiers: Orphanet 564, MedGen C0265215, MONDO:0018921.

Allele frequency attached by ClinVar (database versions not stated): gnomAD 0.00001; gnomAD exomes 0.00002; ExAC 0.00006.
gnomAD v4.1: 26 of 1,605,798 alleles (0.0016%); highest among the groups gnomAD compares: South Asian, 0.029%; no homozygotes.

Submissions (2):

GeneDx
Classification: Uncertain significance. Last evaluated: 2023-10-19. Review status: criteria provided, single submitter. Criteria: GeneDx Variant Classification Process June 2021. Collection method: clinical testing. Allele origin: germline. Affected: yes.
Comment: In silico analysis supports that this missense variant has a deleterious effect on protein structure/function; Has not been previously published as pathogenic or benign to our knowledge

Labcorp Genetics (formerly Invitae), Labcorp
Classification: Uncertain significance for Joubert syndrome; Meckel-Gruber syndrome. Last evaluated: 2022-02-20. Review status: criteria provided, single submitter. Criteria: Invitae Variant Classification Sherloc (09022015). Collection method: clinical testing. Allele origin: germline.
Comment: This sequence change replaces proline, which is neutral and non-polar, with serine, which is neutral and polar, at codon 1189 of the CC2D2A protein (p.Pro1189Ser). This variant is present in population databases (rs779268374, gnomAD 0.03%). This variant has not been reported in the literature in individuals affected with CC2D2A-related conditions. Advanced modeling of protein sequence and biophysical properties (such as structural, functional, and spatial information, amino acid conservation, physicochemical variation, residue mobility, and thermodynamic stability) performed at Invitae indicates that this missense variant is expected to disrupt CC2D2A protein function. In summary, the available evidence is currently insufficient to determine the role of this variant in disease. Therefore, it has been classified as a Variant of Uncertain Significance.

NM_001378615.1(CC2D2A):c.3565C>T (p.Pro1189Ser)

Genes: CC2D2A (coiled-coil and C2 domain containing 2A; plus strand), FBXL5 (F-box and leucine rich repeat protein 5; minus strand). Cytogenetic location: 4p15.32.
Variant type: single nucleotide variant.
Coding change: c.3565C>T on transcript NM_001378615.1 (MANE Select); coding-DNA position 3565, C replaced by T.
Protein change: p.Pro1189Ser; replaces proline 1189 with serine.
Molecular consequence: missense variant.
Genome position (GRCh38, 1-based): chr4:15,570,467, C>T. VCF-style: chr4-15570467-C-T. GRCh37 (hg19) VCF-style: chr4-15572090-C-T.
Other names: c.3565C>T, p.Pro1189Ser (NM_001080522.2); c.3418C>T, p.Pro1140Ser (NM_001378617.1); short protein forms P1140S, P1189S.
Identifiers: ClinVar variation 2148489 (VCV002148489.2), dbSNP rs779268374, ClinGen allele CA2864204.